The following is an entry in ClinVar:

NM_015021.3(ZNF292):c.8158A>T (p.Arg2720Ter)

Gene: ZNF292 (zinc finger protein 292; plus strand). Cytogenetic location: 6q14.3.
Variant type: single nucleotide variant.
Coding change: c.8158A>T on transcript NM_015021.3 (MANE Select); coding-DNA position 8158, A replaced by T.
Protein change: p.Arg2720Ter; replaces arginine 2720 with a stop codon.
Molecular consequence: nonsense.
Genome position (GRCh38, 1-based): chr6:87,261,787, A>T. VCF-style: chr6-87261787-A-T. GRCh37 (hg19) VCF-style: chr6-87971505-A-T.
Other names: c.7738A>T, p.Arg2580Ter (NM_001351444.2); short protein forms R2580*, R2720*.
Identifiers: ClinVar variation 4685131 (VCV004685131.2).
Genomic context (GRCh38, chr6:87,261,787, plus strand): 5'-CATTCAAATGATCCAGATATGTCTGTTATGAAAGATATCAGTATAGGTAAAGCCACAGGC[A>T]GAGGTCAGTACTGATAATTAATGTAGTATAAATACATCATTTACCATTTTATTTTAAATA-3'

ClinVar aggregate classification (germline): Uncertain significance (1 of 4 stars; one submission).

gnomAD v4.1: 2 of 1,610,148 alleles (0.00012%); highest among the groups gnomAD compares: African/African-American, 0.0027%; no homozygotes.

Submission:

GeneDx
Classification: Uncertain significance. Last evaluated: 2026-01-15. Review status: criteria provided, single submitter. Criteria: GeneDx Variant Classification Process June 2021. Collection method: clinical testing. Allele origin: germline.
Comment: Nonsense variant predicted to result in protein truncation as the last four amino acids are lost; Has not been previously published as pathogenic or benign to our knowledge